The following is an entry in ClinVar:

ClinVar aggregate classification (germline): Likely benign (1 of 4 stars; one submission).

Submission:

CeGaT Center for Human Genetics Tuebingen
Classification: Likely benign. Last evaluated: 2024-09-01. Review status: criteria provided, single submitter. Criteria: CeGaT Center For Human Genetics Tuebingen Variant Classification Criteria Version 2. Collection method: clinical testing. Allele origin: germline. Affected: yes. Observed: 1 variant allele.
Comment: PPP2R5B: BP4, BP7

NM_006244.4(PPP2R5B):c.72A>C (p.Pro24=)

Gene: PPP2R5B (protein phosphatase 2 regulatory subunit B'beta; plus strand). Cytogenetic location: 11q13.1.
Variant type: single nucleotide variant.
Coding change: c.72A>C on transcript NM_006244.4 (MANE Select); coding-DNA position 72, A replaced by C.
Protein change: p.Pro24=; no amino-acid change (proline 24 retained).
Molecular consequence: synonymous variant.
Genome position (GRCh38, 1-based): chr11:64,925,806, A>C. VCF-style: chr11-64925806-A-C. GRCh37 (hg19) VCF-style: chr11-64693278-A-C.
Identifiers: ClinVar variation 3388194 (VCV003388194.14).